The following is an entry in ClinVar:

ClinVar aggregate classification (germline): Benign/Likely benign. Review status: criteria provided, multiple submitters, no conflicts (2 of 4 stars). 5 submissions from 5 submitters: Benign (1); Likely benign (4). Last evaluated 2025-10-25.

Conditions:
Neuroblastoma (NB). Identifiers: Orphanet 635, MedGen C0027819, MeSH D009447, MONDO:0005072, HP:0003006.
Charcot-Marie-Tooth disease type 2. Also called: Charcot-Marie-Tooth type 2. Identifiers: Orphanet 64746, MedGen C0270914, MONDO:0018993.

Allele frequency attached by ClinVar (database versions not stated): gnomAD 0.00012 and 0.00014; TOPMed 0.00015; ESP Exome Variant Server 0.00023.
gnomAD v4.1: 348 of 1,613,614 alleles (0.022%); highest among the groups gnomAD compares: Non-Finnish European, 0.028%; 1 homozygote.

Submissions (5):

Labcorp Genetics (formerly Invitae), Labcorp
Classification: Likely benign for Charcot-Marie-Tooth disease type 2. Last evaluated: 2025-10-25. Review status: criteria provided, single submitter. Criteria: Invitae Variant Classification Sherloc (09022015). Collection method: clinical testing. Allele origin: germline.

CeGaT Center for Human Genetics Tuebingen
Classification: Likely benign. Last evaluated: 2025-08-01. Review status: criteria provided, single submitter. Criteria: CeGaT Center For Human Genetics Tuebingen Variant Classification Criteria Version 2. Collection method: clinical testing. Allele origin: germline. Affected: yes. Observed: 5 variant alleles.
Comment: KIF1B: BP4, BP7

Blueprint Genetics
Classification: Likely benign. Last evaluated: 2024-10-24. Review status: criteria provided, single submitter. Criteria: ACMG Guidelines, 2015. Collection method: clinical testing. Allele origin: germline.

Ambry Genetics
Classification: Benign. Last evaluated: 2020-09-17. Review status: criteria provided, single submitter. Criteria: Ambry Variant Classification Scheme 2023. Collection method: clinical testing. Allele origin: germline.

Illumina Laboratory Services, Illumina
Classification: Likely benign for Neuroblastoma. Last evaluated: 2018-01-12. Review status: criteria provided, single submitter. Criteria: ICSL Variant Classification Criteria 13 December 2019. Collection method: clinical testing. Allele origin: germline.
Comment: This variant was observed in the ICSL laboratory as part of a predisposition screen in an ostensibly healthy population. It had not been previously curated by ICSL or reported in the Human Gene Mutation Database (HGMD: prior to June 1st, 2018), and was therefore a candidate for classification through an automated scoring system. Utilizing variant allele frequency, disease prevalence and penetrance estimates, and inheritance mode, an automated score was calculated to assess if this variant is too frequent to cause the disease. Based on the score and internal cut-off values, a variant classified as likely benign is not then subjected to further curation. The score for this variant resulted in a classification of likely benign for this disease.

NM_001365951.3(KIF1B):c.4338A>G (p.Leu1446=)

Gene: KIF1B (kinesin family member 1B; plus strand). Cytogenetic location: 1p36.22.
Variant type: single nucleotide variant.
Coding change: c.4338A>G on transcript NM_001365951.3 (MANE Select); coding-DNA position 4338, A replaced by G.
Protein change: p.Leu1446=; no amino-acid change (leucine 1446 retained).
Molecular consequence: synonymous variant.
Genome position (GRCh38, 1-based): chr1:10,363,316, A>G. VCF-style: chr1-10363316-A-G. GRCh37 (hg19) VCF-style: chr1-10423374-A-G.
Other names: c.4338A>G, p.Leu1446= (NM_001365952.1); c.4200A>G, p.Leu1400= (NM_015074.3).
Identifiers: ClinVar variation 696808 (VCV000696808.51), dbSNP rs143112560, ClinGen allele CA582050.
Genomic context (GRCh38, chr1:10,363,316, plus strand): 5'-AACAATTGTTTTATTTTCTTCAAATAGGAATCGAGTCACTGGCATTTACGAACTCAGCTT[A>G]TGCAAAATGTCAGACACAGGTAGTCCAGGTAAGCTCTTGTGGATTGAGGAGGTGATAGTT-3'
Protein context (NP_001352880.1, residues 1436-1456): NRVTGIYELS[Leu1446=]CKMSDTGSPG